The following is an entry in ClinVar:

NM_000465.4(BARD1):c.1345del (p.Gln449fs)

Gene: BARD1 (BRCA1 associated RING domain 1; minus strand). Cytogenetic location: 2q35.
Variant type: Deletion.
Coding change: c.1345del on transcript NM_000465.4 (MANE Select); coding-DNA position 1345, one base deleted (C; older notation c.1345delC).
Protein change: p.Gln449fs; shifts the reading frame from glutamine 449.
Molecular consequence: frameshift variant. On other transcripts: non-coding transcript variant (3), intron variant (3).
Genome position (GRCh38, 1-based): chr2:214,769,282, G deleted on the plus strand (C on the coding strand, the reverse complement: BARD1 is on the minus strand). VCF-style (leftmost placement, unchanged base first): chr2-214769281-TG-T. GRCh37 (hg19) VCF-style: chr2-215634005-TG-T.
Other names: c.1288del, p.Gln430fs (NM_001282543.2); c.159-16727del (NM_001282548.2); c.216-16727del (NM_001282545.2); c.364+23015del (NM_001282549.2); short protein forms Q430fs, Q449fs.
Identifiers: ClinVar variation 1369914 (VCV001369914.9), dbSNP rs2106081379, ClinGen allele CA2573135150.
Genomic context (GRCh38, chr2:214,769,281, plus strand): 5'-CAGACAACTACCAATGGTGTCCATCCAGCATGGTCTTTAACATTTGGATCACTTCCATTT[TG>T]TAAAAGGTATTCAACAGAAGGTATGTCGCCCTAGAAAAATGAACAAAACGGAAATTAAAA-3'

ClinVar aggregate classification (germline): Pathogenic/Likely pathogenic. Review status: criteria provided, multiple submitters, no conflicts (2 of 4 stars). 3 submissions from 3 submitters: Pathogenic (2); Likely pathogenic (1). Last evaluated 2023-05-23.

Conditions:
Familial cancer of breast. Also called: hereditary breast carcinoma; Hereditary breast cancer; BREAST CANCER, FAMILIAL. Identifiers: Orphanet 227535, MedGen C0346153, MONDO:0016419, OMIM 114480. Disease mechanism: loss of function.

Submissions (3):

Myriad Genetics, Inc.
Classification: Pathogenic for Familial cancer of breast. Last evaluated: 2023-05-23. Review status: criteria provided, single submitter. Criteria: Myriad Autosomal Dominant, Autosomal Recessive and X-Linked Classification Criteria (2023). Collection method: clinical testing. Allele origin: unknown.
Comment: This variant is considered pathogenic. This variant creates a frameshift predicted to result in premature protein truncation.

Baylor Genetics
Classification: Likely pathogenic for Familial cancer of breast. Last evaluated: 2022-09-30. Review status: criteria provided, single submitter. Criteria: ACMG Guidelines, 2015. Collection method: clinical testing. Allele origin: unknown.

Labcorp Genetics (formerly Invitae), Labcorp
Classification: Pathogenic for Familial cancer of breast. Last evaluated: 2021-02-08. Review status: criteria provided, single submitter. Criteria: Invitae Variant Classification Sherloc (09022015). Collection method: clinical testing. Allele origin: germline.
Comment: This variant is not present in population databases (ExAC no frequency). This sequence change creates a premature translational stop signal (p.Gln449Lysfs*26) in the BARD1 gene. It is expected to result in an absent or disrupted protein product. Loss-of-function variants in BARD1 are known to be pathogenic (PMID: 20077502, 21344236). This variant has not been reported in the literature in individuals with BARD1-related conditions. For these reasons, this variant has been classified as Pathogenic.

Literature cited by the submitters: PubMed 20077502 (cited by Labcorp Genetics (formerly Invitae), Labcorp); PubMed 21344236 (cited by Labcorp Genetics (formerly Invitae), Labcorp).